The following is an entry in ClinVar:

ClinVar aggregate classification (germline): Uncertain significance (1 of 4 stars; one submission).

Conditions:
Brugada syndrome. Also called: Sudden unexpected nocturnal death syndrome; Sudden unexplained nocturnal death syndrome; Sudden Unexplained Death Syndrome; Sudden Unexplained Nocturnal Death Syndrome (SUNDS). Identifiers: Orphanet 130, MedGen C1142166, MONDO:0015263.

Submission:

Labcorp Genetics (formerly Invitae), Labcorp
Classification: Uncertain significance for Brugada syndrome. Last evaluated: 2025-05-15. Review status: criteria provided, single submitter. Criteria: Invitae Variant Classification Sherloc (09022015). Collection method: clinical testing. Allele origin: germline.
Comment: This sequence change replaces serine, which is neutral and polar, with phenylalanine, which is neutral and non-polar, at codon 102 of the SCN10A protein (p.Ser102Phe). This variant is not present in population databases (gnomAD no frequency). This variant has not been reported in the literature in individuals affected with SCN10A-related conditions. Invitae Evidence Modeling of protein sequence and biophysical properties (such as structural, functional, and spatial information, amino acid conservation, physicochemical variation, residue mobility, and thermodynamic stability) indicates that this missense variant is not expected to disrupt SCN10A protein function with a negative predictive value of 95%. In summary, the available evidence is currently insufficient to determine the role of this variant in disease. Therefore, it has been classified as a Variant of Uncertain Significance.

NM_006514.4(SCN10A):c.305C>T (p.Ser102Phe)

Gene: SCN10A (sodium voltage-gated channel alpha subunit 10; minus strand). Cytogenetic location: 3p22.2.
Variant type: single nucleotide variant.
Coding change: c.305C>T on transcript NM_006514.4 (MANE Select); coding-DNA position 305, C replaced by T.
Protein change: p.Ser102Phe; replaces serine 102 with phenylalanine.
Molecular consequence: missense variant.
Genome position (GRCh38, 1-based): chr3:38,792,134, G>A on the plus strand (C>T on the coding strand, the complement: SCN10A is on the minus strand). VCF-style: chr3-38792134-G-A. GRCh37 (hg19) VCF-style: chr3-38833625-G-A.
Other names: c.305C>T, p.Ser102Phe (NM_001293306.2, NM_001293307.2); short protein forms S102F.
Identifiers: ClinVar variation 4801651 (VCV004801651.1).
Genomic context (GRCh38, chr3:38,792,134, plus strand): 5'-GTTCTTCTGATCAGGTTGAAAGGACTGAATAGCCACAGGGCCCGAGTGGCACTAAACCGG[G>A]AAATGGTCCTCCCTTTGTTCAGCACCATAAATGTCTGAAACAAAACAAAACAGAAAGTGG-3'
Protein context (NP_006505.4, residues 92-112): FMVLNKGRTI[Ser102Phe]RFSATRALWL